The following is an entry in ClinVar:

NM_000548.5(TSC2):c.645_648del (p.Ile215fs)

Gene: TSC2 (TSC complex subunit 2; plus strand). Cytogenetic location: 16p13.3.
Variant type: Deletion.
Coding change: c.645_648del on transcript NM_000548.5 (MANE Select); coding-DNA positions 645 to 648, 4 bases deleted (AGAG; older notation c.645_648delAGAG).
Protein change: p.Ile215fs; shifts the reading frame from isoleucine 215.
Molecular consequence: frameshift variant.
Genome position (GRCh38, 1-based): chr16:2,056,241-2,056,244, AGAG deleted. VCF-style (leftmost placement, unchanged base first): chr16-2056240-TAGAG-T. GRCh37 (hg19) VCF-style: chr16-2106241-TAGAG-T.
Other names: c.645_648del, p.Ile215fs (NM_001077183.3, NM_001114382.3, NM_001363528.2 and 3 more transcripts); c.534_537del, p.Ile178fs (NM_001318827.2); c.498_501del, p.Ile166fs (NM_001318829.2); c.45_48del, p.Ile15fs (NM_001318831.2); c.678_681del, p.Ile226fs (NM_001318832.2); short protein forms I178fs, I15fs, I215fs, I226fs, I166fs.
Identifiers: ClinVar variation 652536 (VCV000652536.2), dbSNP rs1596275494, ClinGen allele CA915946220.

ClinVar aggregate classification (germline): Pathogenic (1 of 4 stars; one submission).

Conditions:
Tuberous sclerosis 2 (TSC2). Identifiers: Orphanet 805, MedGen C1860707, MONDO:0013199, OMIM 613254.

Submission:

Labcorp Genetics (formerly Invitae), Labcorp
Classification: Pathogenic for Tuberous sclerosis 2. Last evaluated: 2018-07-31. Review status: criteria provided, single submitter. Criteria: Invitae Variant Classification Sherloc (09022015). Collection method: clinical testing. Allele origin: germline.
Comment: This sequence change creates a premature translational stop signal (p.Ile215Metfs*44) in the TSC2 gene. It is expected to result in an absent or disrupted protein product. This variant is not present in population databases (ExAC no frequency). This variant has not been reported in the literature in individuals with TSC2-related disease. Loss-of-function variants in TSC2 are known to be pathogenic (PMID: 10205261, 17304050). For these reasons, this variant has been classified as Pathogenic.

Literature cited by the submitters: PubMed 10205261; PubMed 17304050.